The following is an entry in ClinVar:

NM_000693.4(ALDH1A3):c.884-2_885dup

Genes: ALDH1A3 (aldehyde dehydrogenase 1 family member A3; plus strand), ALDH1A3-AS1 (ALDH1A3 antisense RNA 1; minus strand). Cytogenetic location: 15q26.3.
Variant type: Duplication.
Coding change: c.884-2_885dup on transcript NM_000693.4 (MANE Select); the canonical splice acceptor site of the intron before coding-DNA position 884 through coding-DNA position 885, 4 bases duplicated (AGTG; older notation c.884-2_885dupAGTG).
Molecular consequence: splice acceptor variant.
Genome position (GRCh38, 1-based): chr15:100,900,573-100,900,576, AGTG duplicated. VCF-style (leftmost placement, unchanged base first): chr15-100900572-C-CAGTG. GRCh37 (hg19) VCF-style: chr15-101440777-C-CAGTG.
Other names: c.563-2_564dup (NM_001293815.2).
Identifiers: ClinVar variation 1333588 (VCV001333588.1), dbSNP rs2141563633, ClinGen allele CA2573053965.

ClinVar aggregate classification (germline): Uncertain significance (1 of 4 stars; one submission).

Conditions:
Isolated microphthalmia 8. Identifiers: Orphanet 2542, MedGen C3554524, MONDO:0014050, OMIM 615113.

Submission:

3billion
Classification: Uncertain significance for Isolated microphthalmia 8. Last evaluated: 2022-01-03. Review status: criteria provided, single submitter. Criteria: ACMG Guidelines, 2015. Collection method: clinical testing. Allele origin: germline. Affected: yes. Observed: 1 homozygote.
Comment: The variant is not observed in the gnomAD v2.1.1 dataset (PM2_M). In silico prediction tools predicted that this variant influenced pre-mRNA splicing, resulting in aberrant splicing (SPLICEAI: 0.96>=0.8, PP3_P). Therefore, this variant is classified as uncertain significance according to the recommendation of ACMG/AMP guideline.